The following is an entry in ClinVar:

ClinVar aggregate classification (germline): Uncertain significance (1 of 4 stars; one submission).

Conditions:
Bardet-Biedl syndrome (BBS). Identifiers: Orphanet 110, MedGen C0752166, MONDO:0015229.

Submission:

Labcorp Genetics (formerly Invitae), Labcorp
Classification: Uncertain significance for Bardet-Biedl syndrome. Last evaluated: 2021-12-06. Review status: criteria provided, single submitter. Criteria: Invitae Variant Classification Sherloc (09022015). Collection method: clinical testing. Allele origin: germline.
Comment: In summary, the available evidence is currently insufficient to determine the role of this variant in disease. Therefore, it has been classified as a Variant of Uncertain Significance. Experimental studies and prediction algorithms are not available or were not evaluated, and the functional significance of this variant is currently unknown. This variant has not been reported in the literature in individuals affected with WDPCP-related conditions. This variant is a gross deletion of the genomic region encompassing exon(s) 15-17 of the WDPCP gene. While this deletion is not anticipated to lead to nonsense mediated decay, it is expected to disrupt the C-terminus of the protein.

NC_000002.11:g.(?_63380029)_(63401987_?)del

Gene: WDPCP (WD repeat containing planar cell polarity effector; minus strand). Cytogenetic location: 2p15.
Variant type: Deletion.
Identifiers: ClinVar variation 2426239 (VCV002426239.4).